The following is an entry in ClinVar:

NM_001199138.2(NLRC4):c.583A>C (p.Thr195Pro)

Gene: NLRC4 (NLR family CARD domain containing 4; minus strand). Cytogenetic location: 2p22.3.
Variant type: single nucleotide variant.
Coding change: c.583A>C on transcript NM_001199138.2 (MANE Select); coding-DNA position 583, A replaced by C.
Protein change: p.Thr195Pro; replaces threonine 195 with proline.
Molecular consequence: missense variant. On other transcripts: intron variant (1).
Genome position (GRCh38, 1-based): chr2:32,251,281, T>G on the plus strand (A>C on the coding strand, the complement: NLRC4 is on the minus strand). VCF-style: chr2-32251281-T-G. GRCh37 (hg19) VCF-style: chr2-32476350-T-G.
Other names: c.583A>C, p.Thr195Pro (NM_001199139.2, NM_021209.5); c.262+1138A>C (NM_001302504.1); short protein forms T195P.
Identifiers: ClinVar variation 841284 (VCV000841284.9), dbSNP rs148470482, ClinGen allele CA1602113.

ClinVar aggregate classification (germline): Uncertain significance (1 of 4 stars; one submission).

Conditions:
Familial cold autoinflammatory syndrome 4 (FCAS4). Identifiers: Orphanet 47045, Orphanet 576349, MedGen C4015276, MONDO:0014498, OMIM 616115.
Periodic fever-infantile enterocolitis-autoinflammatory syndrome. Also called: Autoinflammation with infantile enterocolitis. Identifiers: Orphanet 436166, MedGen C4015067, MONDO:0014472, OMIM 616050.

Allele frequency attached by ClinVar (database versions not stated): ExAC 0.00001; gnomAD exomes 0.00001 and 0.00004; gnomAD 0.00001; ESP Exome Variant Server 0.00008; TOPMed 0.00001.
gnomAD v4.1: 57 of 1,614,016 alleles (0.0035%); highest among the groups gnomAD compares: Non-Finnish European, 0.0046%; no homozygotes.

Submission:

Labcorp Genetics (formerly Invitae), Labcorp
Classification: Uncertain significance for Periodic fever-infantile enterocolitis-autoinflammatory syndrome; Familial cold autoinflammatory syndrome 4. Last evaluated: 2025-07-29. Review status: criteria provided, single submitter. Criteria: Invitae Variant Classification Sherloc (09022015). Collection method: clinical testing. Allele origin: germline.
Comment: This sequence change replaces threonine, which is neutral and polar, with proline, which is neutral and non-polar, at codon 195 of the NLRC4 protein (p.Thr195Pro). This variant is present in population databases (rs148470482, gnomAD 0.002%). This variant has not been reported in the literature in individuals affected with NLRC4-related conditions. ClinVar contains an entry for this variant (Variation ID: 841284). Invitae Evidence Modeling of protein sequence and biophysical properties (such as structural, functional, and spatial information, amino acid conservation, physicochemical variation, residue mobility, and thermodynamic stability) indicates that this missense variant is not expected to disrupt NLRC4 protein function with a negative predictive value of 80%. In summary, the available evidence is currently insufficient to determine the role of this variant in disease. Therefore, it has been classified as a Variant of Uncertain Significance.